The following is an entry in ClinVar:

NM_198578.4(LRRK2):c.736A>C (p.Asn246His)

Gene: LRRK2 (leucine rich repeat kinase 2; plus strand). Cytogenetic location: 12q12.
Variant type: single nucleotide variant.
Coding change: c.736A>C on transcript NM_198578.4 (MANE Select); coding-DNA position 736, A replaced by C.
Protein change: p.Asn246His; replaces asparagine 246 with histidine.
Molecular consequence: missense variant.
Genome position (GRCh38, 1-based): chr12:40,243,579, A>C. VCF-style: chr12-40243579-A-C. GRCh37 (hg19) VCF-style: chr12-40637381-A-C.
Other names: short protein forms N246H.
Identifiers: ClinVar variation 586130 (VCV000586130.15), dbSNP rs150050676, ClinGen allele CA6513178.
Genomic context (GRCh38, chr12:40,243,579, plus strand): 5'-TTATTGATAATTATGATCTCTTTAAATTCAGGCAATAATGTGGAAGTCCTCATGAGTGGC[A>C]ATGTCAGGTGTTATAATATTGTGGTGGAAGCTATGAAAGCATTCCCTATGAGTGAAAGAA-3'
Protein context (NP_940980.4, residues 236-256): CNNVEVLMSG[Asn246His]VRCYNIVVEA

ClinVar aggregate classification (germline): Benign. Review status: criteria provided, multiple submitters, no conflicts (2 of 4 stars). 4 submissions from 4 submitters: Benign (4). Last evaluated 2026-01-15.

Conditions:
Autosomal dominant Parkinson disease 8. Also called: Parkinson disease 8, susceptibility to; LRRK2-Related Parkinson Disease; Parkinson disease 8. Identifiers: Orphanet 411602, MedGen C1846862, MONDO:0011764, OMIM 607060.

Allele frequency attached by ClinVar (database versions not stated): ExAC 0.00040; 1000 Genomes Project 0.00080; 1000 Genomes Project 30x 0.00094; gnomAD 0.00137 and 0.00141; TOPMed 0.00141; ESP Exome Variant Server 0.00169; gnomAD exomes 0.00011 and 0.00028.

Submissions (4):

Labcorp Genetics (formerly Invitae), Labcorp
Classification: Benign for Autosomal dominant Parkinson disease 8. Last evaluated: 2026-01-15. Review status: criteria provided, single submitter. Criteria: Invitae Variant Classification Sherloc (09022015). Collection method: clinical testing. Allele origin: germline.

Athena Diagnostics
Classification: Benign. Last evaluated: 2018-06-28. Review status: criteria provided, single submitter. Criteria: Athena Diagnostics Criteria. Collection method: clinical testing. Allele origin: germline.

Illumina Laboratory Services, Illumina
Classification: Benign for Autosomal dominant Parkinson disease 8. Last evaluated: 2018-01-13. Review status: criteria provided, single submitter. Criteria: ICSL Variant Classification Criteria 13 December 2019. Collection method: clinical testing. Allele origin: germline.
Comment: This variant was observed in the ICSL laboratory as part of a predisposition screen in an ostensibly healthy population. It had not been previously curated by ICSL or reported in the Human Gene Mutation Database (HGMD: prior to June 1st, 2018), and was therefore a candidate for classification through an automated scoring system. Utilizing variant allele frequency, disease prevalence and penetrance estimates, and inheritance mode, an automated score was calculated to assess if this variant is too frequent to cause the disease. Based on the score and internal cut-off values, a variant classified as benign is not then subjected to further curation. The score for this variant resulted in a classification of benign for this disease.

Breakthrough Genomics
Classification: Benign. Review status: criteria provided, single submitter. Criteria: ACMG Guidelines, 2015. Collection method: not provided. Allele origin: germline. Inheritance: Autosomal dominant inheritance. Affected: yes.